The following is an entry in ClinVar:

ClinVar aggregate classification (germline): Uncertain significance (1 of 4 stars; one submission).

gnomAD v4.1: 10 of 1,613,294 alleles (0.00062%); highest among the groups gnomAD compares: African/African-American, 0.0013%; no homozygotes.

Submission:

Labcorp Genetics (formerly Invitae), Labcorp
Classification: Uncertain significance. Last evaluated: 2025-01-18. Review status: criteria provided, single submitter. Criteria: Invitae Variant Classification Sherloc (09022015). Collection method: clinical testing. Allele origin: germline.
Comment: This sequence change replaces proline, which is neutral and non-polar, with alanine, which is neutral and non-polar, at codon 83 of the MYH3 protein (p.Pro83Ala). This variant is present in population databases (no rsID available, gnomAD 0.01%). This variant has not been reported in the literature in individuals affected with MYH3-related conditions. Invitae Evidence Modeling of protein sequence and biophysical properties (such as structural, functional, and spatial information, amino acid conservation, physicochemical variation, residue mobility, and thermodynamic stability) has been performed for this missense variant. However, the output from this modeling did not meet the statistical confidence thresholds required to predict the impact of this variant on MYH3 protein function. In summary, the available evidence is currently insufficient to determine the role of this variant in disease. Therefore, it has been classified as a Variant of Uncertain Significance.

NM_002470.4(MYH3):c.247C>G (p.Pro83Ala)

Gene: MYH3 (myosin heavy chain 3; minus strand). Cytogenetic location: 17p13.1.
Variant type: single nucleotide variant.
Coding change: c.247C>G on transcript NM_002470.4 (MANE Select); coding-DNA position 247, C replaced by G.
Protein change: p.Pro83Ala; replaces proline 83 with alanine.
Molecular consequence: missense variant.
Genome position (GRCh38, 1-based): chr17:10,652,521, G>C on the plus strand (C>G on the coding strand, the complement: MYH3 is on the minus strand). VCF-style: chr17-10652521-G-C. GRCh37 (hg19) VCF-style: chr17-10555838-G-C.
Other names: short protein forms P83A.
Identifiers: ClinVar variation 3620121 (VCV003620121.2).